The following is an entry in ClinVar:

ClinVar aggregate classification (germline): Uncertain significance. Review status: criteria provided, multiple submitters, no conflicts (2 of 4 stars). 2 submissions from 2 submitters: Uncertain significance (2). Last evaluated 2024-05-02.

Conditions:
Hereditary cancer-predisposing syndrome. Also called: Neoplastic Syndromes, Hereditary; Tumor predisposition; Hereditary Cancer Syndrome; Hereditary neoplastic syndrome. Identifiers: Orphanet 140162, MedGen C0027672, MeSH D009386, MONDO:0015356.
Hereditary nonpolyposis colorectal neoplasms. Identifiers: MedGen C0009405, MeSH D003123.

Submissions (2):

Ambry Genetics
Classification: Uncertain significance for Hereditary cancer-predisposing syndrome. Last evaluated: 2024-05-02. Review status: criteria provided, single submitter. Criteria: Ambry Variant Classification Scheme 2023. Collection method: clinical testing. Allele origin: germline.
Comment: The p.D97H variant (also known as c.289G>C), located in coding exon 4 of the PMS2 gene, results from a G to C substitution at nucleotide position 289. The aspartic acid at codon 97 is replaced by histidine, an amino acid with similar properties. This amino acid position is highly conserved in available vertebrate species. In addition, this alteration is predicted to be deleterious by in silico analysis. Since supporting evidence is limited at this time, the clinical significance of this alteration remains unclear.

Labcorp Genetics (formerly Invitae), Labcorp
Classification: Uncertain significance for Hereditary nonpolyposis colorectal neoplasms. Last evaluated: 2024-04-30. Review status: criteria provided, single submitter. Criteria: Invitae Variant Classification Sherloc (09022015). Collection method: clinical testing. Allele origin: germline.
Comment: This sequence change replaces aspartic acid, which is acidic and polar, with histidine, which is basic and polar, at codon 97 of the PMS2 protein (p.Asp97His). This variant is not present in population databases (gnomAD no frequency). This variant has not been reported in the literature in individuals affected with PMS2-related conditions. ClinVar contains an entry for this variant (Variation ID: 484268). Advanced modeling of protein sequence and biophysical properties (such as structural, functional, and spatial information, amino acid conservation, physicochemical variation, residue mobility, and thermodynamic stability) performed at Invitae indicates that this missense variant is expected to disrupt PMS2 protein function with a positive predictive value of 80%. Algorithms developed to predict the effect of sequence changes on RNA splicing suggest that this variant may disrupt the consensus splice site. In summary, the available evidence is currently insufficient to determine the role of this variant in disease. Therefore, it has been classified as a Variant of Uncertain Significance.

NM_000535.7(PMS2):c.289G>C (p.Asp97His)

Gene: PMS2 (PMS1 homolog 2, mismatch repair system component; minus strand). Cytogenetic location: 7p22.1.
Variant type: single nucleotide variant.
Coding change: c.289G>C on transcript NM_000535.7 (MANE Select); coding-DNA position 289, G replaced by C.
Protein change: p.Asp97His; replaces aspartic acid 97 with histidine.
Molecular consequence: missense variant. On other transcripts: 5 prime UTR variant (9), non-coding transcript variant (1), intron variant (2).
Genome position (GRCh38, 1-based): chr7:6,003,754, C>G on the plus strand (G>C on the coding strand, the complement: PMS2 is on the minus strand). VCF-style: chr7-6003754-C-G. GRCh37 (hg19) VCF-style: chr7-6043385-C-G.
Other names: c.-117G>C (NM_001322003.2, NM_001322004.2, NM_001322005.2 and 3 more transcripts); c.289G>C, p.Asp97His (NM_001322006.2, NM_001322014.2); c.-596G>C (NM_001322011.2, NM_001322012.2); c.-196G>C (NM_001322015.2); c.35+218G>C (NM_001322008.2, NM_001322007.2); short protein forms D97H.
Identifiers: ClinVar variation 484268 (VCV000484268.11), dbSNP rs1395998044, ClinGen allele CA366744649.